The following is an entry in ClinVar:

NM_001134673.4(NFIA):c.27+4A>C

Gene: NFIA (nuclear factor I A; plus strand). Cytogenetic location: 1p31.3.
Variant type: single nucleotide variant.
Coding change: c.27+4A>C on transcript NM_001134673.4 (MANE Select); 4 bases into the intron after coding-DNA position 27, A replaced by C.
Molecular consequence: intron variant.
Genome position (GRCh38, 1-based): chr1:61,082,822, A>C. VCF-style: chr1-61082822-A-C. GRCh37 (hg19) VCF-style: chr1-61548494-A-C.
Other names: c.3+5194A>C (NM_001145511.2); c.162+4A>C (NM_001145512.2); c.27+4A>C (NM_005595.5).
Identifiers: ClinVar variation 4872750 (VCV004872750.2).

ClinVar aggregate classification (germline): Likely benign (1 of 4 stars; one submission).

gnomAD v4.1: 8 of 1,540,860 alleles (0.00052%); highest among the groups gnomAD compares: Non-Finnish European, 0.0007%; no homozygotes.

Submission:

CeGaT Center for Human Genetics Tuebingen
Classification: Likely benign. Last evaluated: 2026-06-01. Review status: criteria provided, single submitter. Criteria: CeGaT Center For Human Genetics Tuebingen Variant Classification Criteria Version 2. Collection method: clinical testing. Allele origin: germline. Affected: yes. Observed: 1 variant allele.
Comment: NFIA: BP4